The following is an entry in ClinVar:

NM_002470.4(MYH3):c.4424C>T (p.Ser1475Phe)

Genes: MYH3 (myosin heavy chain 3; minus strand), LOC130060295 (ATAC-STARR-seq lymphoblastoid active region 11731; plus strand). Cytogenetic location: 17p13.1.
Variant type: single nucleotide variant.
Coding change: c.4424C>T on transcript NM_002470.4 (MANE Select); coding-DNA position 4424, C replaced by T.
Protein change: p.Ser1475Phe; replaces serine 1475 with phenylalanine.
Molecular consequence: missense variant.
Genome position (GRCh38, 1-based): chr17:10,634,115, G>A on the plus strand (C>T on the coding strand, the complement: MYH3 is on the minus strand). VCF-style: chr17-10634115-G-A. GRCh37 (hg19) VCF-style: chr17-10537432-G-A.
Other names: c.4424C>T (NM_002470.3); short protein forms S1475F.
Identifiers: ClinVar variation 2822052 (VCV002822052.4), dbSNP rs758848489, ClinGen allele CA8392234.

ClinVar aggregate classification (germline): Uncertain significance. Review status: criteria provided, multiple submitters, no conflicts (2 of 4 stars). 2 submissions from 2 submitters: Uncertain significance (2). Last evaluated 2025-09-01.

Conditions:
Inborn genetic diseases. Identifiers: MedGen C0950123, MeSH D030342.

Allele frequency attached by ClinVar (database versions not stated): gnomAD exomes 0.00001; TOPMed 0.00001; ExAC 0.00002.

Submissions (2):

Ambry Genetics
Classification: Uncertain significance for Inborn genetic diseases. Last evaluated: 2025-09-01. Review status: criteria provided, single submitter. Criteria: Ambry Variant Classification Scheme 2023. Collection method: clinical testing. Allele origin: germline.

Labcorp Genetics (formerly Invitae), Labcorp
Classification: Uncertain significance. Last evaluated: 2023-06-25. Review status: criteria provided, single submitter. Criteria: Invitae Variant Classification Sherloc (09022015). Collection method: clinical testing. Allele origin: germline.
Comment: In summary, the available evidence is currently insufficient to determine the role of this variant in disease. Therefore, it has been classified as a Variant of Uncertain Significance. Advanced modeling of protein sequence and biophysical properties (such as structural, functional, and spatial information, amino acid conservation, physicochemical variation, residue mobility, and thermodynamic stability) performed at Invitae indicates that this missense variant is not expected to disrupt MYH3 protein function. This variant has not been reported in the literature in individuals affected with MYH3-related conditions. This variant is present in population databases (rs758848489, gnomAD 0.01%). This sequence change replaces serine, which is neutral and polar, with phenylalanine, which is neutral and non-polar, at codon 1475 of the MYH3 protein (p.Ser1475Phe).